The following is an entry in ClinVar:

ClinVar aggregate classification (germline): Uncertain significance (1 of 4 stars; one submission).

Conditions:
Retinoblastoma (RB1). Also called: RETINOBLASTOMA, SOMATIC. Identifiers: Orphanet 790, MedGen C0035335, MeSH D012175, MONDO:0008380, OMIM 180200, HP:0009919. Disease mechanism: loss of function. Inheritance: Both sporadic and heritable forms are tested..

Submission:

Labcorp Genetics (formerly Invitae), Labcorp
Classification: Uncertain significance for Retinoblastoma. Last evaluated: 2017-03-20. Review status: criteria provided, single submitter. Criteria: Invitae Variant Classification Sherloc (09022015). Collection method: clinical testing. Allele origin: germline.
Comment: In summary, this variant is a novel missense change that is not predicted to affect protein function. There is no indication that it causes disease, but the available evidence is currently insufficient to prove that conclusively. Therefore, it has been classified as a Variant of Uncertain Significance. Algorithms developed to predict the effect of missense changes on protein structure and function (SIFT, PolyPhen-2, Align-GVGD) all suggest that this variant is likely to be tolerated, but these predictions have not been confirmed by published functional studies. This variant is not present in population databases (ExAC no frequency) and has not been reported in the literature in individuals with an RB1-related disease. This sequence change replaces glycine with alanine at codon 509 of the RB1 protein (p.Gly509Ala). The glycine residue is moderately conserved and there is a small physicochemical difference between glycine and alanine.

NM_000321.3(RB1):c.1526G>C (p.Gly509Ala)

Gene: RB1 (RB transcriptional corepressor 1; plus strand). Cytogenetic location: 13q14.2.
Variant type: single nucleotide variant.
Coding change: c.1526G>C on transcript NM_000321.3 (MANE Select); coding-DNA position 1526, G replaced by C.
Protein change: p.Gly509Ala; replaces glycine 509 with alanine.
Molecular consequence: missense variant.
Genome position (GRCh38, 1-based): chr13:48,381,274, G>C. VCF-style: chr13-48381274-G-C. GRCh37 (hg19) VCF-style: chr13-48955410-G-C.
Other names: short protein forms G509A.
Identifiers: ClinVar variation 458130 (VCV000458130.8), dbSNP rs1555286684, ClinGen allele CA388163370.
Genomic context (GRCh38, chr13:48,381,274, plus strand): 5'-TCATAAATAGTTACTTTTTTTTTTCATTTTTAGGAAGTACATCTCAGAATCTTGATTCTG[G>C]AACAGATTTGTCTTTCCCATGGATTCTGAATGTGCTTAATTTAAAAGCCTTTGATTTTTA-3'
Protein context (NP_000312.2, residues 499-519): SRSTSQNLDS[Gly509Ala]TDLSFPWILN